The following is an entry in ClinVar:

ClinVar aggregate classification (germline): Likely benign (1 of 4 stars; one submission).

Conditions:
PMP22-related disorder. Also called: PMP22-related condition; PMP22-related disorders.

gnomAD v4.1: 23 of 717,566 alleles (0.0032%); highest among the groups gnomAD compares: African/African-American, 0.038%; no homozygotes.

Submission:

PreventionGenetics, part of Exact Sciences
Classification: Likely benign for PMP22-related condition. Last evaluated: 2025-12-22. Review status: criteria provided, single submitter. Criteria: ACMG Guidelines, 2015. Collection method: clinical testing. Allele origin: germline.
Comment: This variant is classified as likely benign based on ACMG/AMP sequence variant interpretation guidelines (Richards et al. 2015 PMID: 25741868, with internal and published modifications).

NM_000304.4(PMP22):c.320-4157G>T

Gene: PMP22 (peripheral myelin protein 22; minus strand). Cytogenetic location: 17p12.
Variant type: single nucleotide variant.
Coding change: c.320-4157G>T on transcript NM_000304.4 (MANE Select); 4157 bases into the intron before coding-DNA position 320, G replaced by T.
Molecular consequence: intron variant. On other transcripts: 3 prime UTR variant (1).
Genome position (GRCh38, 1-based): chr17:15,235,237, C>A on the plus strand (G>T on the coding strand, the complement: PMP22 is on the minus strand). VCF-style: chr17-15235237-C-A. GRCh37 (hg19) VCF-style: chr17-15138554-C-A.
Other names: c.*10G>T (NM_001330143.2); c.320-4157G>T (NM_001281456.2, NM_153321.3, NM_001281455.2 and 1 more transcripts).
Identifiers: ClinVar variation 4981776 (VCV004981776.1).
Genomic context (GRCh38, chr17:15,235,237, plus strand): 5'-AATGAACAACAATAACAAAAAGAGAGAGAAAGTGAAACTCACTCAGGAGTCCCCTCTATT[C>A]TTTCTGTTCTTAATCCCGGTAACCACACATTTGACTTGAGTTTGATTCTGCCGAGGAAAC-3'